The following is an entry in ClinVar:

ClinVar aggregate classification (germline): Pathogenic (1 of 4 stars; one submission).

Submission:

Labcorp Genetics (formerly Invitae), Labcorp
Classification: Pathogenic. Last evaluated: 2022-10-04. Review status: criteria provided, single submitter. Criteria: Invitae Variant Classification Sherloc (09022015). Collection method: clinical testing. Allele origin: germline.
Comment: This sequence change creates a premature translational stop signal (p.Gln111*) in the ALX4 gene. It is expected to result in an absent or disrupted protein product. Loss-of-function variants in ALX4 are known to be pathogenic (PMID: 11137991, 24668755, 25963140). For these reasons, this variant has been classified as Pathogenic. This variant has not been reported in the literature in individuals affected with ALX4-related conditions. The frequency data for this variant in the population databases is considered unreliable, as metrics indicate poor data quality at this position in the gnomAD database.

Literature cited by the submitters: PubMed 11137991; PubMed 24668755; PubMed 25963140.

NM_021926.4(ALX4):c.331C>T (p.Gln111Ter)

Gene: ALX4 (ALX homeobox 4; minus strand). Cytogenetic location: 11p11.2.
Variant type: single nucleotide variant.
Coding change: c.331C>T on transcript NM_021926.4 (MANE Select); coding-DNA position 331, C replaced by T.
Protein change: p.Gln111Ter; replaces glutamine 111 with a stop codon.
Molecular consequence: nonsense.
Genome position (GRCh38, 1-based): chr11:44,309,732, G>A on the plus strand (C>T on the coding strand, the complement: ALX4 is on the minus strand). VCF-style: chr11-44309732-G-A. GRCh37 (hg19) VCF-style: chr11-44331282-G-A.
Other names: short protein forms Q111*.
Identifiers: ClinVar variation 2032730 (VCV002032730.4), dbSNP rs1175384200, ClinGen allele CA380415941.